The following is an entry in ClinVar:

NM_001372044.2(SHANK3):c.2087-3C>T

Gene: SHANK3 (SH3 and multiple ankyrin repeat domains 3; plus strand). Cytogenetic location: 22q13.33.
Variant type: single nucleotide variant.
Coding change: c.2087-3C>T on transcript NM_001372044.2 (MANE Select); 3 bases into the intron before coding-DNA position 2087, C replaced by T.
Molecular consequence: intron variant.
Genome position (GRCh38, 1-based): chr22:50,704,961, C>T. VCF-style: chr22-50704961-C-T. GRCh37 (hg19) VCF-style: chr22-51143389-C-T.
Identifiers: ClinVar variation 3905855 (VCV003905855.10).

ClinVar aggregate classification (germline): Likely benign (1 of 4 stars; one submission).

Submission:

CeGaT Center for Human Genetics Tuebingen
Classification: Likely benign. Last evaluated: 2025-05-01. Review status: criteria provided, single submitter. Criteria: CeGaT Center For Human Genetics Tuebingen Variant Classification Criteria Version 2. Collection method: clinical testing. Allele origin: germline. Affected: yes. Observed: 1 variant allele.
Comment: SHANK3: BP4